The following is an entry in ClinVar:

ClinVar aggregate classification (germline): Benign. Review status: criteria provided, multiple submitters, no conflicts (2 of 4 stars). 4 submissions from 4 submitters: Benign (4). Last evaluated 2023-11-22.

Conditions:
Mitochondrial DNA depletion syndrome 13. Also called: Mitochondrial DNA depletion syndrome 13 (encephalomyopathic type); FBXL4-Related Encephalomyopathic Mitochondrial DNA Depletion Syndrome. Identifiers: Orphanet 369897, MedGen C3809592, MONDO:0014198, OMIM 615471.

Allele frequency attached by ClinVar (database versions not stated): gnomAD exomes 0.00145 and 0.00419; ExAC 0.00502; 1000 Genomes Project 0.01398; 1000 Genomes Project 30x 0.01421; ESP Exome Variant Server 0.01576; gnomAD 0.01648 and 0.01773; TOPMed 0.01920.
gnomAD v4.1: 4,683 of 1,576,458 alleles (0.3%); highest among the groups gnomAD compares: African/African-American, 5.7%; 116 homozygotes.

Submissions (4):

ARUP Laboratories, Molecular Genetics and Genomics, ARUP Laboratories
Classification: Benign for Mitochondrial DNA depletion syndrome 13. Last evaluated: 2023-11-22. Review status: criteria provided, single submitter. Criteria: ARUP Molecular Germline Variant Investigation Process 2024. Collection method: clinical testing. Allele origin: germline.

Mayo Clinic Laboratories, Mayo Clinic
Classification: Benign. Last evaluated: 2023-03-19. Review status: criteria provided, single submitter. Criteria: ACMG Guidelines, 2015. Collection method: clinical testing. Allele origin: germline. Observed: 37 variant alleles.

Wong Mito Lab, Molecular and Human Genetics, Baylor College of Medicine
Classification: Benign for Mitochondrial DNA depletion syndrome 13. Last evaluated: 2017-08-10. Review status: criteria provided, single submitter. Criteria: ACMG Guidelines, 2015. Collection method: reference population. Allele origin: germline.
Comment: The NM_012160.4:c.*3T>C () [GRCH38: NC_000006.12:g.98874275A>G] variant in FBXL4 gene is interpretated to be a Benign - Stand Alone based on ACMG guidelines (PMID: 25741868). This variant meets one or more of the following evidence codes reported in the ACMG-guideline. BA1:Minor allele frequency is too high for the Mitochondrial DNA depletion syndrome 13. BS2:Observation of the variant is in controls is inconsistent with penetrance of Mitochondrial DNA depletion syndrome 13. BP4:Computational evidence/predictors indicate no impact on the FBXL4 structure, function, or protein-protein interaction. Based on this evidence code ClinGen Pathogenicity Calculator (PMID:28081714) suggested that the variant is Benign - Stand Alone.

GeneDx
Classification: Benign. Last evaluated: 2016-02-11. Review status: criteria provided, single submitter. Criteria: GeneDx Variant Classification (06012015). Collection method: clinical testing. Allele origin: germline. Affected: yes.
Comment: This variant is considered likely benign or benign based on one or more of the following criteria: it is a conservative change, it occurs at a poorly conserved position in the protein, it is predicted to be benign by multiple in silico algorithms, and/or has population frequency not consistent with disease.

NM_001278716.2(FBXL4):c.*3T>C

Gene: FBXL4 (F-box and leucine rich repeat protein 4; minus strand). Cytogenetic location: 6q16.1.
Variant type: single nucleotide variant.
Coding change: c.*3T>C on transcript NM_001278716.2 (MANE Select); 3 bases downstream of the stop codon, T replaced by C.
Molecular consequence: 3 prime UTR variant. On other transcripts: non-coding transcript variant (1).
Genome position (GRCh38, 1-based): chr6:98,874,275, A>G on the plus strand (T>C on the coding strand, the complement: FBXL4 is on the minus strand). VCF-style: chr6-98874275-A-G. GRCh37 (hg19) VCF-style: chr6-99322151-A-G.
Other names: c.*3T>C (NM_012160.5).
Identifiers: ClinVar variation 381422 (VCV000381422.11), dbSNP rs115180578, ClinGen allele CA3933333.